The following is an entry in ClinVar:

NM_170606.3(KMT2C):c.7544G>A (p.Arg2515Lys)

Gene: KMT2C (lysine methyltransferase 2C; minus strand). Cytogenetic location: 7q36.1.
Variant type: single nucleotide variant.
Coding change: c.7544G>A on transcript NM_170606.3 (MANE Select); coding-DNA position 7544, G replaced by A.
Protein change: p.Arg2515Lys; replaces arginine 2515 with lysine.
Molecular consequence: missense variant.
Genome position (GRCh38, 1-based): chr7:152,177,909, C>T on the plus strand (G>A on the coding strand, the complement: KMT2C is on the minus strand). VCF-style: chr7-152177909-C-T. GRCh37 (hg19) VCF-style: chr7-151874994-C-T.
Other names: short protein forms R2515K.
Identifiers: ClinVar variation 3357063 (VCV003357063.1).
Genomic context (GRCh38, chr7:152,177,909, plus strand): 5'-ACTGGATTATTCATTTGTGAGTTATTTAAAGGCCTAGGCATATCTACAGATACTGATCTT[C>T]TTAGCTGTGGAGAAACTCCAGATCCCTGTATTTGCTGAGGAGGCACAAGGAAGCGCTCTT-3'
Protein context (NP_733751.2, residues 2505-2525): IQGSGVSPQL[Arg2515Lys]RSVSVDMPRP

ClinVar aggregate classification (germline): Uncertain significance (0 of 4 stars; one submission).

Conditions:
KMT2C-related disorder. Also called: KMT2C-related condition; KMT2C-related disorders.

gnomAD v4.1: 127 of 1,607,154 alleles (0.0079%); highest among the groups gnomAD compares: Non-Finnish European, 0.011%; no homozygotes.

Submission:

PreventionGenetics, part of Exact Sciences
Classification: Uncertain significance for KMT2C-related condition. Last evaluated: 2024-07-31. Review status: no assertion criteria provided. Collection method: clinical testing. Allele origin: germline.
Comment: The KMT2C c.7544G>A variant is predicted to result in the amino acid substitution p.Arg2515Lys. To our knowledge, this variant has not been reported in the literature. This variant is reported in 0.0062% of alleles in individuals of African descent in gnomAD. At this time, the clinical significance of this variant is uncertain due to the absence of conclusive functional and genetic evidence.